The following is an entry in ClinVar:

ClinVar aggregate classification (germline): Benign/Likely benign. Review status: criteria provided, multiple submitters, no conflicts (2 of 4 stars). 7 submissions from 7 submitters: Benign (1); Likely benign (5). 1 of the submissions does not count toward it. Last evaluated 2026-01-26.

Conditions:
Hereditary nonpolyposis colorectal neoplasms. Identifiers: MedGen C0009405, MeSH D003123.
Hereditary cancer-predisposing syndrome. Also called: Hereditary neoplastic syndrome; Hereditary Cancer Syndrome; Neoplastic Syndromes, Hereditary; Tumor predisposition. Identifiers: Orphanet 140162, MedGen C0027672, MeSH D009386, MONDO:0015356.
Lynch syndrome 5 (LYNCH5). Also called: Colorectal cancer, hereditary nonpolyposis, type 5; Hereditary non-polyposis colorectal cancer, type 5. Identifiers: Orphanet 144, MedGen C1833477, MONDO:0013710, OMIM 614350. Disease mechanism: loss of function.
Malignant tumor of breast. Also called: Malignant breast neoplasm; Cancer breast. Identifiers: MedGen C0006142, MONDO:0007254. Disease mechanism: loss of function.

Allele frequency attached by ClinVar (database versions not stated): gnomAD exomes 0.00001; gnomAD 0.00002; TOPMed 0.00002.
gnomAD v4.1: 13 of 1,613,784 alleles (0.00081%); highest among the groups gnomAD compares: African/African-American, 0.0027%; no homozygotes.

Submissions (7):

Labcorp Genetics (formerly Invitae), Labcorp
Classification: Likely benign for Hereditary nonpolyposis colorectal neoplasms. Last evaluated: 2026-01-26. Review status: criteria provided, single submitter. Criteria: Invitae Variant Classification Sherloc (09022015). Collection method: clinical testing. Allele origin: germline.

Myriad Genetics, Inc.
Classification: Benign for Lynch syndrome 5. Last evaluated: 2024-12-20. Review status: criteria provided, single submitter. Criteria: Myriad Autosomal Dominant, Autosomal Recessive and X-Linked Classification Criteria (2023). Collection method: clinical testing. Allele origin: unknown.
Comment: This variant is considered benign. This variant is a silent/synonymous amino acid change and it is not expected to impact splicing.

Women's Health and Genetics/Laboratory Corporation of America, LabCorp
Classification: Likely benign. Last evaluated: 2023-10-08. Review status: criteria provided, single submitter. Criteria: LabCorp Variant Classification Summary - May 2015. Collection method: clinical testing. Allele origin: germline.

Ambry Genetics
Classification: Likely benign for Hereditary cancer-predisposing syndrome. Last evaluated: 2019-01-04. Review status: criteria provided, single submitter. Criteria: Ambry Variant Classification Scheme 2023. Collection method: clinical testing. Allele origin: germline.

GeneDx
Classification: Likely benign. Last evaluated: 2017-12-29. Review status: criteria provided, single submitter. Criteria: GeneDx Variant Classification (06012015). Collection method: clinical testing. Allele origin: germline. Affected: yes.
Comment: This variant is considered likely benign or benign based on one or more of the following criteria: it is a conservative change, it occurs at a poorly conserved position in the protein, it is predicted to be benign by multiple in silico algorithms, and/or has population frequency not consistent with disease.

Color Diagnostics, LLC DBA Color Health
Classification: Likely benign for Hereditary cancer-predisposing syndrome. Last evaluated: 2015-08-04. Review status: criteria provided, single submitter. Criteria: ACMG Guidelines, 2015. Collection method: clinical testing. Allele origin: germline.

Department of Pathology and Laboratory Medicine, Sinai Health System
Classification: Uncertain significance for Malignant tumor of breast. Review status: no assertion criteria provided. Collection method: clinical testing. Allele origin: unknown. Affected: yes. Observed: 1 variant allele. Study: The Canadian Open Genetics Repository (COGR). Not counted in ClinVar's aggregate classification.
Comment: The MSH6 p.Asp284= variant was not identified in the literature nor was it identified in the dbSNP, COGR, Cosmic, UMD-LSDB, Zhejiang University Database, Mismatch Repair Genes Variant Database, or the Insight Hereditary Tumors database. The variant was only identified in ClinVar (classified as likely benign by GeneDx, Invitae, Ambry Genetics, Color Genomics). The variant was not identified in the following control databases: the 1000 Genomes Project, the NHLBI GO Exome Sequencing Project, the Exome Aggregation Consortium (August 8th 2016), or the Genome Aggregation Database (Feb 27, 2017). The p.Asp284= variant is not expected to have clinical significance because it does not result in a change of amino acid and is not located in a known consensus splice site. The variant occurs outside of the splicing consensus sequence and 1 of 5 in silico or computational prediction software programs (SpliceSiteFinder, MaxEntScan, NNSPLICE, GeneSplicer, HumanSpliceFinder) predict a greater than 10% difference in splicing; this is not very predictive of pathogenicity. In summary, based on the above information the clinical significance of this variant cannot be determined with certainty at this time. This variant is classified as a variant of uncertain significance.

NM_000179.3(MSH6):c.852T>C (p.Asp284=)

Gene: MSH6 (mutS homolog 6; plus strand). Cytogenetic location: 2p16.3.
Variant type: single nucleotide variant.
Coding change: c.852T>C on transcript NM_000179.3 (MANE Select); coding-DNA position 852, T replaced by C.
Protein change: p.Asp284=; no amino-acid change (aspartic acid 284 retained).
Molecular consequence: synonymous variant. On other transcripts: 5 prime UTR variant (2).
Genome position (GRCh38, 1-based): chr2:47,798,835, T>C. VCF-style: chr2-47798835-T-C. GRCh37 (hg19) VCF-style: chr2-48025974-T-C.
Other names: c.462T>C, p.Asp154= (NM_001281492.2); c.-55T>C (NM_001281493.2, NM_001281494.2).
Identifiers: ClinVar variation 378164 (VCV000378164.21), dbSNP rs1057520320, ClinGen allele CA16604577.
Genomic context (GRCh38, chr2:47,798,835, plus strand): 5'-ATTTAAGCCAGACACTAAGGAGGAAGGAAGCAGTGATGAAATAAGCAGTGGAGTGGGGGA[T>C]AGTGAGAGTGAAGGCCTGAACAGCCCTGTCAAAGTTGCTCGAAAGCGGAAGAGAATGGTG-3'
Protein context (NP_000170.1, residues 274-294): SSDEISSGVG[Asp284=]SESEGLNSPV